The following is an entry in ClinVar:

ClinVar aggregate classification (germline): Uncertain significance (1 of 4 stars; one submission).

Conditions:
Glycogen storage disease due to muscle and heart glycogen synthase deficiency. Also called: GSD 0b; MUSCLE GLYCOGEN SYNTHASE DEFICIENCY. Identifiers: Orphanet 137625, MedGen C1969054, MONDO:0012693, OMIM 611556.

Allele frequency attached by ClinVar (database versions not stated): gnomAD 0.00002; TOPMed 0.00002; gnomAD exomes 0.00003; ExAC 0.00004; ESP Exome Variant Server 0.00015.
gnomAD v4.1: 28 of 1,569,288 alleles (0.0018%); highest among the groups gnomAD compares: Admixed American, 0.0083%; no homozygotes.

Submission:

Labcorp Genetics (formerly Invitae), Labcorp
Classification: Uncertain significance for Glycogen storage disease due to muscle and heart glycogen synthase deficiency. Last evaluated: 2022-06-14. Review status: criteria provided, single submitter. Criteria: Invitae Variant Classification Sherloc (09022015). Collection method: clinical testing. Allele origin: germline.
Comment: This sequence change falls in intron 6 of the GYS1 gene. It does not directly change the encoded amino acid sequence of the GYS1 protein. It affects a nucleotide within the consensus splice site. This variant is present in population databases (rs374388103, gnomAD 0.009%). This variant has not been reported in the literature in individuals affected with GYS1-related conditions. Variants that disrupt the consensus splice site are a relatively common cause of aberrant splicing (PMID: 17576681, 9536098). Algorithms developed to predict the effect of sequence changes on RNA splicing suggest that this variant is not likely to affect RNA splicing. In summary, the available evidence is currently insufficient to determine the role of this variant in disease. Therefore, it has been classified as a Variant of Uncertain Significance.

Literature cited by the submitters: PubMed 17576681; PubMed 9536098.

NM_002103.5(GYS1):c.941+4C>T

Gene: GYS1 (glycogen synthase 1; minus strand). Cytogenetic location: 19q13.33.
Variant type: single nucleotide variant.
Coding change: c.941+4C>T on transcript NM_002103.5 (MANE Select); 4 bases into the intron after coding-DNA position 941, C replaced by T.
Molecular consequence: intron variant.
Genome position (GRCh38, 1-based): chr19:48,982,716, G>A on the plus strand (C>T on the coding strand, the complement: GYS1 is on the minus strand). VCF-style: chr19-48982716-G-A. GRCh37 (hg19) VCF-style: chr19-49485973-G-A.
Other names: c.749+4C>T (NM_001161587.2).
Identifiers: ClinVar variation 1358581 (VCV001358581.3), dbSNP rs374388103, ClinGen allele CA9563177.
Genomic context (GRCh38, chr19:48,982,716, plus strand): 5'-AGACCTAGATGGTTAGGCTCCCAACGCCCTCCTCTCTTAAGACCTAGGTATATGCCCCAC[G>A]TACCCATAAAAATGGCCCCGCACAAACTCCTGGATTCGAGCCTTGCTCTGAGCATGGAGG-3'